The following is an entry in ClinVar:

ClinVar aggregate classification (germline): Uncertain significance. Review status: criteria provided, multiple submitters, no conflicts (2 of 4 stars). 2 submissions from 2 submitters: Uncertain significance (2). Last evaluated 2024-10-15.

Conditions:
Hereditary cancer-predisposing syndrome. Also called: Hereditary neoplastic syndrome; Neoplastic Syndromes, Hereditary; Tumor predisposition; Hereditary Cancer Syndrome. Identifiers: Orphanet 140162, MedGen C0027672, MeSH D009386, MONDO:0015356.

Submissions (2):

Ambry Genetics
Classification: Uncertain significance for Hereditary cancer-predisposing syndrome. Last evaluated: 2024-10-15. Review status: criteria provided, single submitter. Criteria: Ambry Variant Classification Scheme 2023. Collection method: clinical testing. Allele origin: germline.
Comment: The p.G919A variant (also known as c.2756G>C), located in coding exon 20 of the MSH3 gene, results from a G to C substitution at nucleotide position 2756. The glycine at codon 919 is replaced by alanine, an amino acid with similar properties. This amino acid position is highly conserved in available vertebrate species. In addition, this alteration is predicted to be deleterious by in silico analysis. Since supporting evidence is limited at this time, the clinical significance of this alteration remains unclear.

Labcorp Genetics (formerly Invitae), Labcorp
Classification: Uncertain significance. Last evaluated: 2024-05-27. Review status: criteria provided, single submitter. Criteria: Invitae Variant Classification Sherloc (09022015). Collection method: clinical testing. Allele origin: germline.
Comment: This sequence change replaces glycine, which is neutral and non-polar, with alanine, which is neutral and non-polar, at codon 919 of the MSH3 protein (p.Gly919Ala). This variant is not present in population databases (gnomAD no frequency). This variant has not been reported in the literature in individuals affected with MSH3-related conditions. ClinVar contains an entry for this variant (Variation ID: 947707). An algorithm developed to predict the effect of missense changes on protein structure and function (PolyPhen-2) suggests that this variant is likely to be disruptive. In summary, the available evidence is currently insufficient to determine the role of this variant in disease. Therefore, it has been classified as a Variant of Uncertain Significance.

NM_002439.5(MSH3):c.2756G>C (p.Gly919Ala)

Gene: MSH3 (mutS homolog 3; plus strand). Cytogenetic location: 5q14.1.
Variant type: single nucleotide variant.
Coding change: c.2756G>C on transcript NM_002439.5 (MANE Select); coding-DNA position 2756, G replaced by C.
Protein change: p.Gly919Ala; replaces glycine 919 with alanine.
Molecular consequence: missense variant.
Genome position (GRCh38, 1-based): chr5:80,813,684, G>C. VCF-style: chr5-80813684-G-C. GRCh37 (hg19) VCF-style: chr5-80109503-G-C.
Other names: short protein forms G919A.
Identifiers: ClinVar variation 947707 (VCV000947707.13), dbSNP rs1580066529, ClinGen allele CA360274012.